The following is an entry in ClinVar:

NM_152542.5(PPM1K):c.587G>A (p.Arg196Gln)

Gene: PPM1K (protein phosphatase, Mg2+/Mn2+ dependent 1K; minus strand). Cytogenetic location: 4q22.1.
Variant type: single nucleotide variant.
Coding change: c.587G>A on transcript NM_152542.5 (MANE Select); coding-DNA position 587, G replaced by A.
Protein change: p.Arg196Gln; replaces arginine 196 with glutamine.
Molecular consequence: missense variant.
Genome position (GRCh38, 1-based): chr4:88,268,861, C>T on the plus strand (G>A on the coding strand, the complement: PPM1K is on the minus strand). VCF-style: chr4-88268861-C-T. GRCh37 (hg19) VCF-style: chr4-89190013-C-T.
Other names: c.587G>A (NM_152542.3); short protein forms R196Q.
Identifiers: ClinVar variation 1038220 (VCV001038220.9), dbSNP rs1175714323, ClinGen allele CA357706608.

ClinVar aggregate classification (germline): Uncertain significance. Review status: criteria provided, multiple submitters, no conflicts (2 of 4 stars). 2 submissions from 2 submitters: Uncertain significance (2). Last evaluated 2025-08-13.

Conditions:
Maple syrup urine disease, mild variant (MSUDMV). Identifiers: Orphanet 511, MedGen C3554575, MONDO:0014057, OMIM 615135.

Allele frequency attached by ClinVar (database versions not stated): gnomAD exomes below 0.00001 and 0.00001; gnomAD 0.00001; TOPMed 0.00001.

Submissions (2):

Ambry Genetics
Classification: Uncertain significance. Last evaluated: 2025-08-13. Review status: criteria provided, single submitter. Criteria: Ambry Variant Classification Scheme 2023. Collection method: clinical testing. Allele origin: germline.

Labcorp Genetics (formerly Invitae), Labcorp
Classification: Uncertain significance for Maple syrup urine disease, mild variant. Last evaluated: 2020-07-25. Review status: criteria provided, single submitter. Criteria: Invitae Variant Classification Sherloc (09022015). Collection method: clinical testing. Allele origin: germline.
Comment: In summary, the available evidence is currently insufficient to determine the role of this variant in disease. Therefore, it has been classified as a Variant of Uncertain Significance. Algorithms developed to predict the effect of missense changes on protein structure and function are either unavailable or do not agree on the potential impact of this missense change (SIFT: "Deleterious"; PolyPhen-2: "Benign"; Align-GVGD: "Class C35"). This variant has not been reported in the literature in individuals with PPM1K-related conditions. This variant is not present in population databases (ExAC no frequency). This sequence change replaces arginine with glutamine at codon 196 of the PPM1K protein (p.Arg196Gln). The arginine residue is highly conserved and there is a small physicochemical difference between arginine and glutamine.